The following is an entry in ClinVar:

NM_018036.7(ATG2B):c.4734-13del

Gene: ATG2B (autophagy related 2B; minus strand). Cytogenetic location: 14q32.2.
Variant type: Deletion.
Coding change: c.4734-13del on transcript NM_018036.7 (MANE Select); 13 bases into the intron before coding-DNA position 4734, one base deleted (T; older notation c.4734-13delT).
Molecular consequence: intron variant.
Genome position (GRCh38, 1-based): chr14:96,304,616, A deleted on the plus strand (T on the coding strand, the reverse complement: ATG2B is on the minus strand); the first of 14 consecutive A bases (chr14:96,304,616-96,304,629); deleting any one gives the same sequence. VCF-style (leftmost placement, unchanged base first): chr14-96304615-CA-C. GRCh37 (hg19) VCF-style: chr14-96770952-CA-C.
Identifiers: ClinVar variation 4795390 (VCV004795390.1).

ClinVar aggregate classification (germline): Likely benign (1 of 4 stars; one submission).

Submission:

GeneDx
Classification: Likely benign. Last evaluated: 2019-08-15. Review status: criteria provided, single submitter. Criteria: GeneDx Variant Classification Process June 2021. Collection method: clinical testing. Allele origin: germline. Affected: yes.
Comment: See Variant Classification Assertion Criteria.